The following is an entry in ClinVar:

NM_004284.6(CHD1L):c.178C>T (p.Arg60Cys)

Gene: CHD1L (chromodomain helicase DNA binding protein 1 like; plus strand). Cytogenetic location: 1q21.1.
Variant type: single nucleotide variant.
Coding change: c.178C>T on transcript NM_004284.6 (MANE Select); coding-DNA position 178, C replaced by T.
Protein change: p.Arg60Cys; replaces arginine 60 with cysteine.
Molecular consequence: missense variant. On other transcripts: 5 prime UTR variant (9), non-coding transcript variant (10), intron variant (11).
Genome position (GRCh38, 1-based): chr1:147,252,673, C>T. VCF-style: chr1-147252673-C-T. GRCh37 (hg19) VCF-style: chr1-146724328-C-T.
Other names: c.-584C>T (NM_001348465.2); c.-134C>T (NM_024568.4); c.-99-2197C>T (NM_001348453.2); c.-596-2197C>T (NM_001348457.2); c.-440-2197C>T (NM_001348461.2); c.-521-2197C>T (NM_001348464.2); c.-489-3140C>T (NM_001348459.2); c.-349-7164C>T (NM_001348463.2); and 11 more; short protein forms R60C.
Identifiers: ClinVar variation 3388090 (VCV003388090.15).
Genomic context (GRCh38, chr1:147,252,673, plus strand): 5'-TTGTTTCTAGGGATTCACCTACGCTCTTACCAGCTGGAGGGAGTAAACTGGCTCGCCCAG[C>T]GCTTCCATTGTCAGAATGGCTGTATCCTGGGAGATGAGATGGGCCTGGGGAAGACCTGCC-3'
Protein context (NP_004275.4, residues 50-70): QLEGVNWLAQ[Arg60Cys]FHCQNGCILG

ClinVar aggregate classification (germline): Conflicting classifications of pathogenicity. Review status: criteria provided, conflicting classifications (1 of 4 stars). 2 submissions from 2 submitters: Uncertain significance (1); Likely benign (1). Last evaluated 2025-02-08.

gnomAD v4.1: 56 of 1,613,958 alleles (0.0035%); highest among the groups gnomAD compares: East Asian, 0.013%; no homozygotes.

Submissions (2):

Ambry Genetics
Classification: Likely benign. Last evaluated: 2025-02-08. Review status: criteria provided, single submitter. Criteria: Ambry Variant Classification Scheme 2023. Collection method: clinical testing. Allele origin: germline.

CeGaT Center for Human Genetics Tuebingen
Classification: Uncertain significance. Last evaluated: 2024-11-01. Review status: criteria provided, single submitter. Criteria: CeGaT Center For Human Genetics Tuebingen Variant Classification Criteria Version 2. Collection method: clinical testing. Allele origin: germline. Affected: yes. Observed: 1 variant allele.
Comment: CHD1L: PM2, BP4